The following is an entry in ClinVar:

NM_144672.4(OTOA):c.739+11A>G

Gene: OTOA (otoancorin). Cytogenetic location: 16p12.2.
Variant type: single nucleotide variant.
Coding change: c.739+11A>G on transcript NM_144672.4 (MANE Select); 11 bases into the intron after coding-DNA position 739, A replaced by G.
Molecular consequence: intron variant.
Genome position (GRCh38, 1-based): chr16:21,691,698, A>G. VCF-style: chr16-21691698-A-G. GRCh37 (hg19) VCF-style: chr16-21703019-A-G.
Other names: c.502+11A>G (NM_001161683.2).
Identifiers: ClinVar variation 164819 (VCV000164819.11), dbSNP rs186092865, ClinGen allele CA177525.

ClinVar aggregate classification (germline): Benign/Likely benign. Review status: criteria provided, multiple submitters, no conflicts (2 of 4 stars). 3 submissions from 3 submitters: Benign (1); Likely benign (2). Last evaluated 2026-01-12.

Allele frequency attached by ClinVar (database versions not stated): ExAC 0.00015; ESP Exome Variant Server 0.00015; gnomAD exomes 0.00015 and 0.00019; gnomAD 0.00026 and 0.00027; TOPMed 0.00048; 1000 Genomes Project 0.00060; 1000 Genomes Project 30x 0.00062.
gnomAD v4.1: 284 of 1,607,888 alleles (0.018%); highest among the groups gnomAD compares: Middle Eastern, 0.12%; 3 homozygotes.

Submissions (3):

Labcorp Genetics (formerly Invitae), Labcorp
Classification: Benign. Last evaluated: 2026-01-12. Review status: criteria provided, single submitter. Criteria: Invitae Variant Classification Sherloc (09022015). Collection method: clinical testing. Allele origin: germline.

Blueprint Genetics
Classification: Likely benign. Last evaluated: 2024-10-02. Review status: criteria provided, single submitter. Criteria: ACMG Guidelines, 2015. Collection method: clinical testing. Allele origin: germline.

Laboratory for Molecular Medicine, Mass General Brigham Personalized Medicine
Classification: Likely benign. Last evaluated: 2012-04-30. Review status: criteria provided, single submitter. Criteria: LMM Criteria. Collection method: clinical testing. Allele origin: germline. Observed: 1 variant allele.
Comment: 739+11A>G in Intron 08 of OTOA: This variant is not expected to have clinical si gnificance because it is not located within the conserved splice consensus seque nce and has been identified in 1/3738 African American chromosomes from a broad population by the NHLBI Exome Sequencing Project (VS).